The following is an entry in ClinVar:

NM_020806.5(GPHN):c.91G>A (p.Ala31Thr)

Gene: GPHN (gephyrin; plus strand). Cytogenetic location: 14q23.3.
Variant type: single nucleotide variant.
Coding change: c.91G>A on transcript NM_020806.5 (MANE Select); coding-DNA position 91, G replaced by A.
Protein change: p.Ala31Thr; replaces alanine 31 with threonine.
Molecular consequence: missense variant.
Genome position (GRCh38, 1-based): chr14:66,681,133, G>A. VCF-style: chr14-66681133-G-A. GRCh37 (hg19) VCF-style: chr14-67147851-G-A.
Other names: c.91G>A, p.Ala31Thr (NM_001024218.2, NM_001377514.1, NM_001377515.1 and 4 more transcripts); c.91G>A (NM_020806.4); short protein forms A31T.
Identifiers: ClinVar variation 2194555 (VCV002194555.5), dbSNP rs371802458, ClinGen allele CA7233632.

ClinVar aggregate classification (germline): Uncertain significance. Review status: criteria provided, multiple submitters, no conflicts (2 of 4 stars). 2 submissions from 2 submitters: Uncertain significance (2). Last evaluated 2025-06-18.

Conditions:
Inborn genetic diseases. Identifiers: MedGen C0950123, MeSH D030342.
Sulfite oxidase deficiency due to molybdenum cofactor deficiency type C. Also called: Molybdenum cofactor deficiency, complementation group C; Molybdenum cofactor deficiency C. Identifiers: Orphanet 308400, Orphanet 833, MedGen C1854990, MONDO:0014212, OMIM 615501.

Allele frequency attached by ClinVar (database versions not stated): ExAC 0.00002; ESP Exome Variant Server 0.00015.
gnomAD v4.1: 4 of 1,597,298 alleles (0.00025%); highest among the groups gnomAD compares: Middle Eastern, 0.018%; no homozygotes.

Submissions (2):

Ambry Genetics
Classification: Uncertain significance for Inborn genetic diseases. Last evaluated: 2025-06-18. Review status: criteria provided, single submitter. Criteria: Ambry Variant Classification Scheme 2023. Collection method: clinical testing. Allele origin: germline.

Labcorp Genetics (formerly Invitae), Labcorp
Classification: Uncertain significance for Sulfite oxidase deficiency due to molybdenum cofactor deficiency type C. Last evaluated: 2022-09-01. Review status: criteria provided, single submitter. Criteria: Invitae Variant Classification Sherloc (09022015). Collection method: clinical testing. Allele origin: germline.
Comment: In summary, the available evidence is currently insufficient to determine the role of this variant in disease. Therefore, it has been classified as a Variant of Uncertain Significance. Algorithms developed to predict the effect of missense changes on protein structure and function are either unavailable or do not agree on the potential impact of this missense change (SIFT: "Tolerated"; PolyPhen-2: "Probably Damaging"; Align-GVGD: "Class C0"). This variant has not been reported in the literature in individuals affected with GPHN-related conditions. This variant is present in population databases (rs371802458, gnomAD 0.003%). This sequence change replaces alanine, which is neutral and non-polar, with threonine, which is neutral and polar, at codon 31 of the GPHN protein (p.Ala31Thr).